The following is an entry in ClinVar:

ClinVar aggregate classification (germline): Uncertain significance (1 of 4 stars; one submission).

Conditions:
Stormorken syndrome (STRMK). Also called: THROMBOCYTOPATHY, ASPLENIA, AND MIOSIS. Identifiers: Orphanet 3204, MedGen C1861451, MONDO:0008497, OMIM 185070.
Combined immunodeficiency due to STIM1 deficiency. Also called: STIM1 DEFICIENCY; IMMUNODEFICIENCY 10. Identifiers: Orphanet 169090, Orphanet 317430, MedGen C2748557, MONDO:0013008, OMIM 612783.
Myopathy with tubular aggregates (TAM). Also called: Tubular Aggregate Myopathy. Identifiers: Orphanet 2593, MedGen C0410207, MONDO:0008051.

Submission:

Labcorp Genetics (formerly Invitae), Labcorp
Classification: Uncertain significance for Myopathy with tubular aggregates; Combined immunodeficiency due to STIM1 deficiency; Stormorken syndrome. Last evaluated: 2022-06-20. Review status: criteria provided, single submitter. Criteria: Invitae Variant Classification Sherloc (09022015). Collection method: clinical testing. Allele origin: germline.
Comment: In summary, the available evidence is currently insufficient to determine the role of this variant in disease. Therefore, it has been classified as a Variant of Uncertain Significance. Algorithms developed to predict the effect of missense changes on protein structure and function (SIFT, PolyPhen-2, Align-GVGD) all suggest that this variant is likely to be tolerated. ClinVar contains an entry for this variant (Variation ID: 944081). This variant has not been reported in the literature in individuals affected with STIM1-related conditions. This variant is not present in population databases (gnomAD no frequency). This sequence change replaces asparagine, which is neutral and polar, with aspartic acid, which is acidic and polar, at codon 549 of the STIM1 protein (p.Asn549Asp).

NM_001382567.1(STIM1):c.1738A>G (p.Asn580Asp)

Gene: STIM1 (stromal interaction molecule 1; plus strand). Cytogenetic location: 11p15.4.
Variant type: single nucleotide variant.
Coding change: c.1738A>G on transcript NM_001382567.1 (MANE Select); coding-DNA position 1738, A replaced by G.
Protein change: p.Asn580Asp; replaces asparagine 580 with aspartic acid.
Molecular consequence: missense variant. On other transcripts: 3 prime UTR variant (4), non-coding transcript variant (3).
Genome position (GRCh38, 1-based): chr11:4,091,385, A>G. VCF-style: chr11-4091385-A-G. GRCh37 (hg19) VCF-style: chr11-4112615-A-G.
Other names: c.1963A>G, p.Asn655Asp (NM_001277961.3); c.*59A>G (NM_001277962.2, NM_001382578.1, NM_001382579.1 and 1 more transcripts); c.1741A>G, p.Asn581Asp (NM_001382566.1); c.1666A>G, p.Asn556Asp (NM_001382568.1); c.1510A>G, p.Asn504Asp (NM_001382569.1); c.1417A>G, p.Asn473Asp (NM_001382570.1); c.1165A>G, p.Asn389Asp (NM_001382571.1); c.1423A>G, p.Asn475Asp (NM_001382575.1, NM_001382576.1, NM_001382577.1); and 2 more; short protein forms N389D, N473D, N475D, N580D, N581D, N504D, N655D, N386D.
Identifiers: ClinVar variation 944081 (VCV000944081.10), dbSNP rs755851829, ClinGen allele CA379196814.